The following is an entry in ClinVar:

NM_001128126.3(AP4S1):c.365_366delinsAG (p.Cys122Ter)

Gene: AP4S1 (adaptor related protein complex 4 subunit sigma 1; plus strand). Cytogenetic location: 14q12.
Variant type: Indel.
Coding change: c.365_366delinsAG on transcript NM_001128126.3 (MANE Select); coding-DNA positions 365 to 366, GC replaced by AG.
Protein change: p.Cys122Ter; replaces cysteine 122 with a stop codon.
Molecular consequence: nonsense.
Genome position (GRCh38, 1-based): chr14:31,092,965-31,092,966, GC replaced by AG. VCF-style: chr14-31092965-GC-AG. GRCh37 (hg19) VCF-style: chr14-31562171-GC-AG.
Other names: c.365_366delinsAG, p.Cys122Ter (NM_001254728.2, NM_001254729.2); short protein forms C122*.
Identifiers: ClinVar variation 2581133 (VCV002581133.1), dbSNP rs2502522773, ClinGen allele CA2582341747.

ClinVar aggregate classification (germline): Pathogenic (0 of 4 stars; one submission).

Conditions:
Hereditary spastic paraplegia 52 (SPG52). Also called: CEREBRAL PALSY, SPASTIC QUADRIPLEGIC, 6; SPASTIC PARAPLEGIA 52, AUTOSOMAL RECESSIVE. Identifiers: Orphanet 280763, MedGen C3279743, MONDO:0013552, OMIM 614067.

Submission:

Clinical Genetics, Synlab MVZ Humangenetik Freiburg
Classification: Pathogenic for Hereditary spastic paraplegia 52. Last evaluated: 2023-09-13. Review status: no assertion criteria provided. Collection method: clinical testing. Allele origin: germline. Inheritance: Autosomal recessive inheritance. Affected: yes.
Comment: The variant has not previously been described as pathogenic (HGMD Professional 2023.2) and is not listed in control databases (dbSNP, gnomAD v2.1.1).